The following is an entry in ClinVar:

NM_001355436.2(SPTB):c.1690G>T (p.Glu564Ter)

Gene: SPTB (spectrin beta, erythrocytic; minus strand). Cytogenetic location: 14q23.3.
Variant type: single nucleotide variant.
Coding change: c.1690G>T on transcript NM_001355436.2 (MANE Select); coding-DNA position 1690, G replaced by T.
Protein change: p.Glu564Ter; replaces glutamic acid 564 with a stop codon.
Molecular consequence: nonsense.
Genome position (GRCh38, 1-based): chr14:64,794,572, C>A on the plus strand (G>T on the coding strand, the complement: SPTB is on the minus strand). VCF-style: chr14-64794572-C-A. GRCh37 (hg19) VCF-style: chr14-65261290-C-A.
Other names: p.Glu564*; c.1690G>T, p.Glu564Ter (NM_001355437.2, NM_001024858.4); short protein forms E564*.
Identifiers: ClinVar variation 4541861 (VCV004541861.1).

ClinVar aggregate classification (germline): Likely pathogenic (1 of 4 stars; one submission).

Submission:

Mayo Clinic Laboratories, Mayo Clinic
Classification: Likely pathogenic. Last evaluated: 2025-10-01. Review status: criteria provided, single submitter. Criteria: ACMG Guidelines, 2015. Collection method: clinical testing. Allele origin: germline. Observed: 1 variant allele.
Comment: PM2_supporting, PVS1